The following is an entry in ClinVar:

NM_020232.5(PSMG2):c.142T>C (p.Tyr48His)

Gene: PSMG2 (proteasome assembly chaperone 2; plus strand). Cytogenetic location: 18p11.21.
Variant type: single nucleotide variant.
Coding change: c.142T>C on transcript NM_020232.5 (MANE Select); coding-DNA position 142, T replaced by C.
Protein change: p.Tyr48His; replaces tyrosine 48 with histidine.
Molecular consequence: missense variant.
Genome position (GRCh38, 1-based): chr18:12,706,634, T>C. VCF-style: chr18-12706634-T-C. GRCh37 (hg19) VCF-style: chr18-12706633-T-C.
Other names: c.49T>C, p.Tyr17His (NM_147163.2); short protein forms Y17H, Y48H.
Identifiers: ClinVar variation 1383196 (VCV001383196.6), dbSNP rs2145133449, ClinGen allele CA401965086.

ClinVar aggregate classification (germline): Uncertain significance (1 of 4 stars; one submission).

Submission:

Labcorp Genetics (formerly Invitae), Labcorp
Classification: Uncertain significance. Last evaluated: 2022-06-28. Review status: criteria provided, single submitter. Criteria: Invitae Variant Classification Sherloc (09022015). Collection method: clinical testing. Allele origin: germline.
Comment: This variant is not present in population databases (gnomAD no frequency). In summary, the available evidence is currently insufficient to determine the role of this variant in disease. Therefore, it has been classified as a Variant of Uncertain Significance. Algorithms developed to predict the effect of missense changes on protein structure and function (SIFT, PolyPhen-2, Align-GVGD) all suggest that this variant is likely to be tolerated. This variant has not been reported in the literature in individuals affected with PSMG2-related conditions. This sequence change replaces tyrosine, which is neutral and polar, with histidine, which is basic and polar, at codon 48 of the PSMG2 protein (p.Tyr48His).